The following is an entry in ClinVar:

NC_000019.9:g.(?_50916673)_(50921204_?)del

Gene: POLD1 (DNA polymerase delta 1, catalytic subunit; plus strand). Cytogenetic location: 19q13.33.
Variant type: Deletion.
Identifiers: ClinVar variation 1010854 (VCV001010854.6).

ClinVar aggregate classification (germline): Uncertain significance (1 of 4 stars; one submission).

Conditions:
POLD1-related polyposis and colorectal cancer syndrome (CRCS10). Also called: Colorectal cancer 10; COLORECTAL CANCER, SUSCEPTIBILITY TO, ON CHROMOSOME 19q; Colorectal cancer, susceptibility to, 10. Identifiers: Orphanet 220460, MedGen C2675481, MONDO:0012953, OMIM 612591.

Submission:

Labcorp Genetics (formerly Invitae), Labcorp
Classification: Uncertain significance for POLD1-related polyposis and colorectal cancer syndrome. Last evaluated: 2021-12-27. Review status: criteria provided, single submitter. Criteria: Invitae Variant Classification Sherloc (09022015). Collection method: clinical testing. Allele origin: germline.
Comment: In summary, the available evidence is currently insufficient to determine the role of this variant in disease. Therefore, it has been classified as a Variant of Uncertain Significance. Experimental studies and prediction algorithms are not available or were not evaluated, and the functional significance of this variant is currently unknown. This variant has not been reported in the literature in individuals affected with POLD1-related conditions. This variant is a gross deletion of the genomic region encompassing exon(s) 18-27 of the POLD1 gene, which includes the termination codon. This deletion extends beyond the assayed region for this gene and therefore may encompass additional genes. While this deletion is not anticipated to lead to nonsense mediated decay, it is expected to alter mRNA translation or result in a truncated protein product.